The following is an entry in ClinVar:

ClinVar aggregate classification (germline): Pathogenic. Review status: criteria provided, multiple submitters, no conflicts (2 of 4 stars). 2 submissions from 2 submitters: Pathogenic (2). Last evaluated 2024-08-20.

Conditions:
Rubinstein-Taybi syndrome (RSTS). Identifiers: Orphanet 783, MedGen C0035934, MONDO:0019188.
Rubinstein-Taybi syndrome due to CREBBP mutations (RSTS1). Also called: RUBINSTEIN-TAYBI SYNDROME 1, INCOMPLETE; BROAD THUMB-HALLUX SYNDROME; Rubinstein-Taybi syndrome 1; RUBINSTEIN SYNDROME; CREBBP-Related Rubinstein-Taybi Syndrome; BROAD THUMBS AND GREAT TOES, CHARACTERISTIC FACIES, AND IMPAIRED INTELLECTUAL DEVELOPMENT. Identifiers: Orphanet 353277, Orphanet 783, MedGen C4551859, MONDO:0008393, OMIM 180849.

Submissions (2):

Labcorp Genetics (formerly Invitae), Labcorp
Classification: Pathogenic for Rubinstein-Taybi syndrome. Last evaluated: 2024-08-20. Review status: criteria provided, single submitter. Criteria: Invitae Variant Classification Sherloc (09022015). Collection method: clinical testing. Allele origin: germline.
Comment: This sequence change creates a premature translational stop signal (p.Ser318*) in the CREBBP gene. It is expected to result in an absent or disrupted protein product. Loss-of-function variants in CREBBP are known to be pathogenic (PMID: 17052327, 18792986). This variant is not present in population databases (gnomAD no frequency). This variant has not been reported in the literature in individuals affected with CREBBP-related conditions. ClinVar contains an entry for this variant (Variation ID: 158403). For these reasons, this variant has been classified as Pathogenic.

Genetic Services Laboratory, University of Chicago
Classification: Pathogenic for Rubinstein-Taybi syndrome. Last evaluated: 2013-02-08. Review status: criteria provided, single submitter. Criteria: ACMG Guidelines, 2007. Collection method: clinical testing. Allele origin: germline. Inheritance: Autosomal dominant inheritance. Affected: yes.

Literature cited by the submitters: PubMed 17052327 (cited by Labcorp Genetics (formerly Invitae), Labcorp); PubMed 18792986 (cited by Labcorp Genetics (formerly Invitae), Labcorp).

NM_004380.3(CREBBP):c.953C>A (p.Ser318Ter)

Gene: CREBBP (CREB binding lysine acetyltransferase; minus strand). Cytogenetic location: 16p13.3.
Variant type: single nucleotide variant.
Coding change: c.953C>A on transcript NM_004380.3 (MANE Select); coding-DNA position 953, C replaced by A.
Protein change: p.Ser318Ter; replaces serine 318 with a stop codon.
Molecular consequence: nonsense.
Genome position (GRCh38, 1-based): chr16:3,810,625, G>T on the plus strand (C>A on the coding strand, the complement: CREBBP is on the minus strand). VCF-style: chr16-3810625-G-T. GRCh37 (hg19) VCF-style: chr16-3860626-G-T.
Other names: c.953C>A, p.Ser318Ter (NM_001079846.1); short protein forms S318*.
Identifiers: ClinVar variation 158403 (VCV000158403.8), dbSNP rs587783516, ClinGen allele CA271443.